The following is an entry in ClinVar:

ClinVar aggregate classification (germline): Uncertain significance (1 of 4 stars; one submission).

Conditions:
Birt-Hogg-Dube syndrome. Also called: Birt Hogg Dubé syndrome. Identifiers: Orphanet 122, MedGen C0346010, MONDO:0800444.

Submission:

Labcorp Genetics (formerly Invitae), Labcorp
Classification: Uncertain significance for Birt-Hogg-Dube syndrome. Last evaluated: 2023-11-02. Review status: criteria provided, single submitter. Criteria: Invitae Variant Classification Sherloc (09022015). Collection method: clinical testing. Allele origin: germline.
Comment: This sequence change replaces lysine, which is basic and polar, with glutamine, which is neutral and polar, at codon 551 of the FLCN protein (p.Lys551Gln). This variant is not present in population databases (gnomAD no frequency). This variant has not been reported in the literature in individuals affected with FLCN-related conditions. Advanced modeling of protein sequence and biophysical properties (such as structural, functional, and spatial information, amino acid conservation, physicochemical variation, residue mobility, and thermodynamic stability) performed at Invitae indicates that this missense variant is not expected to disrupt FLCN protein function with a negative predictive value of 80%. In summary, the available evidence is currently insufficient to determine the role of this variant in disease. Therefore, it has been classified as a Variant of Uncertain Significance.

NM_144997.7(FLCN):c.1651A>C (p.Lys551Gln)

Gene: FLCN (folliculin; minus strand). Cytogenetic location: 17p11.2.
Variant type: single nucleotide variant.
Coding change: c.1651A>C on transcript NM_144997.7 (MANE Select); coding-DNA position 1651, A replaced by C.
Protein change: p.Lys551Gln; replaces lysine 551 with glutamine.
Molecular consequence: missense variant.
Genome position (GRCh38, 1-based): chr17:17,213,744, T>G on the plus strand (A>C on the coding strand, the complement: FLCN is on the minus strand). VCF-style: chr17-17213744-T-G. GRCh37 (hg19) VCF-style: chr17-17117058-T-G.
Other names: c.1705A>C, p.Lys569Gln (NM_001353229.2); c.1651A>C, p.Lys551Gln (NM_001353230.2, NM_001353231.2); short protein forms K569Q, K551Q.
Identifiers: ClinVar variation 2993792 (VCV002993792.3), dbSNP rs2544123262, ClinGen allele CA398529937.